The following is an entry in ClinVar:

ClinVar aggregate classification (germline): Uncertain significance (1 of 4 stars; one submission).

Conditions:
Multiple endocrine neoplasia, type 1 (MEN1). Also called: Endocrine adenomatosis multiple; MEN 1; MEA I; MEN I; WERMER SYNDROME. Identifiers: Orphanet 652, MedGen C0025267, MeSH D018761, MONDO:0007540, OMIM 131100.

Submission:

Labcorp Genetics (formerly Invitae), Labcorp
Classification: Uncertain significance for Multiple endocrine neoplasia, type 1. Last evaluated: 2023-08-31. Review status: criteria provided, single submitter. Criteria: Invitae Variant Classification Sherloc (09022015). Collection method: clinical testing. Allele origin: germline.
Comment: In summary, the available evidence is currently insufficient to determine the role of this variant in disease. Therefore, it has been classified as a Variant of Uncertain Significance. Variants that disrupt the consensus splice site are a relatively common cause of aberrant splicing (PMID: 17576681, 9536098). This variant is also known as IVS9-4del6. This variant has been observed in individual(s) with hyperparathyroidism (PMID: 16563611). This variant is not present in population databases (gnomAD no frequency). This variant results in the deletion of part of exon 10 (c.1351-4_1352del) of the MEN1 gene. While this variant is not anticipated to result in nonsense mediated decay, it likely alters RNA splicing and results in a disrupted protein product.

Literature cited by the submitters: PubMed 17576681; PubMed 9536098; PubMed 16563611.

NM_001370259.2(MEN1):c.1351-4_1352del

Gene: MEN1 (menin 1; minus strand). Cytogenetic location: 11q13.1.
Variant type: Deletion.
Coding change: c.1351-4_1352del on transcript NM_001370259.2 (MANE Select); 4 bases into the intron before coding-DNA position 1351 through coding-DNA position 1352, 6 bases deleted (CCAGGT; older notation c.1351-4_1352delCCAGGT).
Molecular consequence: splice acceptor variant.
Genome position (GRCh38, 1-based): chr11:64,804,815-64,804,820, ACCTGG deleted on the plus strand (CCAGGT on the coding strand, the reverse complement: MEN1 is on the minus strand). VCF-style (leftmost placement, unchanged base first): chr11-64804814-CACCTGG-C. GRCh37 (hg19) VCF-style: chr11-64572286-CACCTGG-C.
Other names: c.1366-4_1367del (NM_130804.3, NM_130803.3, NM_000244.4 and 4 more transcripts); c.1246-4_1247del (NM_001407148.1, NM_001407149.1, NM_001370263.2 and 1 more transcripts); c.1351-4_1352del (NM_130799.3, NM_001370260.2, NM_001407146.1 and 2 more transcripts); c.1477-4_1478del (NM_001407144.1, NM_001370251.2, NM_001407142.1 and 1 more transcripts); c.1372-4_1373del (NM_001407151.1); c.1186-4_1187del (NM_001407152.1); c.1492-4_1493del (NM_001407150.1).
Identifiers: ClinVar variation 2735647 (VCV002735647.3), dbSNP rs2497132899, ClinGen allele CA2695214556.